The following is an entry in ClinVar:

NC_000016.9:g.(?_160503)_(193701_?)dup

Gene: NPRL3 (NPR3 like, GATOR1 complex subunit; minus strand). Cytogenetic location: 16p13.3.
Variant type: Duplication.
Identifiers: ClinVar variation 2423605 (VCV002423605.4).

ClinVar aggregate classification (germline): Uncertain significance (1 of 4 stars; one submission).

Conditions:
Epilepsy, familial focal, with variable foci 3 (FFEVF3). Identifiers: MedGen C4310708, MONDO:0014925, OMIM 617118.

Submission:

Labcorp Genetics (formerly Invitae), Labcorp
Classification: Uncertain significance for Epilepsy, familial focal, with variable foci 3. Last evaluated: 2023-07-27. Review status: criteria provided, single submitter. Criteria: Invitae Variant Classification Sherloc (09022015). Collection method: clinical testing. Allele origin: germline.
Comment: In summary, the available evidence is currently insufficient to determine the role of this variant in disease. Therefore, it has been classified as a Variant of Uncertain Significance. Experimental studies and prediction algorithms are not available or were not evaluated, and the functional significance of this variant is currently unknown. This variant has not been reported in the literature in individuals affected with NPRL3-related conditions. This variant results in a copy number gain of the genomic region encompassing exon(s) 1-7 of the NPRL3 gene. This region includes the initiator codon of the gene. This copy number gain extends beyond the assayed region for this gene and therefore may encompass additional genes. As the precise location of this event is unknown, it may be in tandem or it may be located elsewhere in the genome.